The following is an entry in ClinVar:

NM_004370.6(COL12A1):c.9008del (p.Pro3003fs)

Gene: COL12A1 (collagen type XII alpha 1 chain; minus strand). Cytogenetic location: 6q13.
Variant type: Deletion.
Coding change: c.9008del on transcript NM_004370.6 (MANE Select); coding-DNA position 9008, one base deleted (C; older notation c.9008delC).
Protein change: p.Pro3003fs; shifts the reading frame from proline 3003.
Molecular consequence: frameshift variant.
Genome position (GRCh38, 1-based): chr6:75,089,108, G deleted on the plus strand (C on the coding strand, the reverse complement: COL12A1 is on the minus strand); the first of 6 consecutive G bases (chr6:75,089,108-75,089,113); deleting any one gives the same sequence. VCF-style (leftmost placement, unchanged base first): chr6-75089107-TG-T. GRCh37 (hg19) VCF-style: chr6-75798823-TG-T.
Other names: c.9008del, p.Pro3003fs (NM_001424113.1); c.8987del, p.Pro2996fs (NM_001424114.1); c.8735del, p.Pro2912fs (NM_001424115.1); c.5516del, p.Pro1839fs (NM_001424116.1, NM_080645.3); short protein forms P2996fs, P2912fs, P1839fs, P3003fs.
Identifiers: ClinVar variation 5002873 (VCV005002873.1).

ClinVar aggregate classification (germline): Likely pathogenic (1 of 4 stars; one submission).

Conditions:
Ullrich congenital muscular dystrophy 2 (UCMD2). Identifiers: Orphanet 75840, MedGen C4225314, MONDO:0014654, OMIM 616470.

Submission:

OLLIN Analises Genomicas, OLLIN
Classification: Likely pathogenic for Ullrich congenital muscular dystrophy 2. Last evaluated: 2026-08-06. Review status: criteria provided, single submitter. Criteria: ACMG Guidelines 2015 PMID 25741868. Collection method: clinical testing. Allele origin: germline. Inheritance: Autosomal recessive inheritance.
Comment: This frameshift variant, located in exon 64 (of 66), has been observed in gnomAD with an allele frequency of 0.000062%, but has not been reported in ClinVar or identified in the literature. This variant causes a frameshift and introduces a premature stop codon, which is predicted to result in either a truncated protein or degradation of the mRNA via nonsense-mediated decay (NMD). According to the currently available evidence, this variant has been classified as likely pathogenic (PVS1, PM2_P).